The following is an entry in ClinVar:

NM_001130009.3(GEN1):c.1441C>T (p.Pro481Ser)

Gene: GEN1 (GEN1 structure-specific endonuclease; plus strand). Cytogenetic location: 2p24.2.
Variant type: single nucleotide variant.
Coding change: c.1441C>T on transcript NM_001130009.3 (MANE Select); coding-DNA position 1441, C replaced by T.
Protein change: p.Pro481Ser; replaces proline 481 with serine.
Molecular consequence: missense variant.
Genome position (GRCh38, 1-based): chr2:17,780,653, C>T. VCF-style: chr2-17780653-C-T. GRCh37 (hg19) VCF-style: chr2-17961920-C-T.
Other names: c.1441C>T, p.Pro481Ser (NM_182625.5); c.1441C>T (NM_001130009.1); short protein forms P481S.
Identifiers: ClinVar variation 1021651 (VCV001021651.8), dbSNP rs374176559, ClinGen allele CA1540773.
Genomic context (GRCh38, chr2:17,780,653, plus strand): 5'-TGATTATATGTATTTTTTTTCTTTTCAGGTATTAAGCCTAAAGAAAACAATTTGCCAGAA[C>T]CAGATGAAGTAATGAGCTTTCAGTCACACATGACTTTAAAACCCACATGTGAAATCTTTC-3'
Protein context (NP_001123481.3, residues 471-491): IKPKENNLPE[Pro481Ser]DEVMSFQSHM

ClinVar aggregate classification (germline): Conflicting classifications of pathogenicity. Review status: criteria provided, conflicting classifications (1 of 4 stars). 2 submissions from 2 submitters: Uncertain significance (1); Likely benign (1). Last evaluated 2025-11-11.

Allele frequency attached by ClinVar (database versions not stated): ExAC 0.00006; gnomAD 0.00013 and 0.00015; TOPMed 0.00013; ESP Exome Variant Server 0.00015.
gnomAD v4.1: 434 of 1,597,830 alleles (0.027%); highest among the groups gnomAD compares: Non-Finnish European, 0.036%; 1 homozygote.

Submissions (2):

Labcorp Genetics (formerly Invitae), Labcorp
Classification: Uncertain significance. Last evaluated: 2025-11-11. Review status: criteria provided, single submitter. Criteria: Invitae Variant Classification Sherloc (09022015). Collection method: clinical testing. Allele origin: germline.
Comment: This sequence change replaces proline, which is neutral and non-polar, with serine, which is neutral and polar, at codon 481 of the GEN1 protein (p.Pro481Ser). This variant is present in population databases (rs374176559, gnomAD 0.01%). This variant has not been reported in the literature in individuals affected with GEN1-related conditions. ClinVar contains an entry for this variant (Variation ID: 1021651). An algorithm developed to predict the effect of missense changes on protein structure and function outputs the following: PolyPhen-2: "Benign". The serine amino acid residue is found in multiple mammalian species, which suggests that this missense change does not adversely affect protein function. In summary, the available evidence is currently insufficient to determine the role of this variant in disease. Therefore, it has been classified as a Variant of Uncertain Significance.

Ambry Genetics
Classification: Likely benign. Last evaluated: 2024-11-17. Review status: criteria provided, single submitter. Criteria: Ambry Variant Classification Scheme 2023. Collection method: clinical testing. Allele origin: germline.